The following is an entry in ClinVar:

ClinVar aggregate classification (germline): Benign/Likely benign. Review status: criteria provided, multiple submitters, no conflicts (2 of 4 stars). 2 submissions from 2 submitters: Benign (1); Likely benign (1). Last evaluated 2026-01-28.

Conditions:
Dilated cardiomyopathy 1JJ (CMD1JJ). Identifiers: Orphanet 154, MedGen C3808935, MONDO:0014095, OMIM 615235.

Allele frequency attached by ClinVar (database versions not stated): gnomAD exomes 0.00010; ExAC 0.00011; 1000 Genomes Project 30x 0.00031; 1000 Genomes Project 0.00040; gnomAD 0.00044 and 0.00049; ESP Exome Variant Server 0.00046; TOPMed 0.00049.
gnomAD v4.1: 119 of 1,493,958 alleles (0.008%); highest among the groups gnomAD compares: African/African-American, 0.13%; no homozygotes.

Submissions (2):

Labcorp Genetics (formerly Invitae), Labcorp
Classification: Benign for Dilated cardiomyopathy 1JJ. Last evaluated: 2026-01-28. Review status: criteria provided, single submitter. Criteria: Invitae Variant Classification Sherloc (09022015). Collection method: clinical testing. Allele origin: germline.

Laboratory for Molecular Medicine, Mass General Brigham Personalized Medicine
Classification: Likely benign. Last evaluated: 2012-03-19. Review status: criteria provided, single submitter. Criteria: LMM Criteria. Collection method: clinical testing. Allele origin: germline. Observed: 1 variant allele.
Comment: c.1647+9G>A in Intron 13 of LAMA4: This variant is not expected to have clinical significance because it is not located within the splice consensus sequence. It has been identified in 0.2% (7/3738) of African American chromosomes from a bro ad population by the NHLBI Exome Sequencing Project (u/EVS;). 1647+9G>A in intron 13 of LAMA4 (allele frequency = 0.2%, 7/3738) **

NM_001105206.3(LAMA4):c.1668+9G>A

Gene: LAMA4 (laminin subunit alpha 4; minus strand). Cytogenetic location: 6q21.
Variant type: single nucleotide variant.
Coding change: c.1668+9G>A on transcript NM_001105206.3 (MANE Select); 9 bases into the intron after coding-DNA position 1668, G replaced by A.
Molecular consequence: intron variant.
Genome position (GRCh38, 1-based): chr6:112,165,151, C>T on the plus strand (G>A on the coding strand, the complement: LAMA4 is on the minus strand). VCF-style: chr6-112165151-C-T. GRCh37 (hg19) VCF-style: chr6-112486353-C-T.
Other names: c.1647+9G>A (NM_002290.5, NM_001105207.3).
Identifiers: ClinVar variation 178055 (VCV000178055.15), dbSNP rs201457182, ClinGen allele CA181289.
Genomic context (GRCh38, chr6:112,165,151, plus strand): 5'-TCTGTGACACTGAGCTGCTGTTGTAACCTGCTGGAAATACAAACCTGAACAAGTCACGTG[C>T]GTCCTTACCTTTATTATATCATCAAGTTCTGAAAGAGTTAGACGAGGTGTTGTCAGAGAG-3'